The following is an entry in ClinVar:

NM_015295.3(SMCHD1):c.976G>C (p.Gly326Arg)

Gene: SMCHD1 (structural maintenance of chromosomes flexible hinge domain containing 1; plus strand). Cytogenetic location: 18p11.32.
Variant type: single nucleotide variant.
Coding change: c.976G>C on transcript NM_015295.3 (MANE Select); coding-DNA position 976, G replaced by C.
Protein change: p.Gly326Arg; replaces glycine 326 with arginine.
Molecular consequence: missense variant.
Genome position (GRCh38, 1-based): chr18:2,694,629, G>C. VCF-style: chr18-2694629-G-C. GRCh37 (hg19) VCF-style: chr18-2694627-G-C.
Other names: short protein forms G326R.
Identifiers: ClinVar variation 2800435 (VCV002800435.3), dbSNP rs2510013461, ClinGen allele CA401694853.

ClinVar aggregate classification (germline): Uncertain significance (1 of 4 stars; one submission).

Conditions:
Facioscapulohumeral muscular dystrophy 2 (FSHD2). Also called: MUSCULAR DYSTROPHY, FACIOSCAPULOHUMERAL, TYPE 1B; FACIOSCAPULOHUMERAL MUSCULAR DYSTROPHY 2, DIGENIC; FSHD2, DIGENIC. Identifiers: Orphanet 269, MedGen C1834671, MONDO:0008031, OMIM 158901.

Submission:

Labcorp Genetics (formerly Invitae), Labcorp
Classification: Uncertain significance for Facioscapulohumeral muscular dystrophy 2. Last evaluated: 2023-12-12. Review status: criteria provided, single submitter. Criteria: Invitae Variant Classification Sherloc (09022015). Collection method: clinical testing. Allele origin: germline.
Comment: This sequence change replaces glycine, which is neutral and non-polar, with arginine, which is basic and polar, at codon 326 of the SMCHD1 protein (p.Gly326Arg). This variant is not present in population databases (gnomAD no frequency). This variant has not been reported in the literature in individuals affected with SMCHD1-related conditions. Advanced modeling of protein sequence and biophysical properties (such as structural, functional, and spatial information, amino acid conservation, physicochemical variation, residue mobility, and thermodynamic stability) has been performed at Invitae for this missense variant, however the output from this modeling did not meet the statistical confidence thresholds required to predict the impact of this variant on SMCHD1 protein function. In summary, the available evidence is currently insufficient to determine the role of this variant in disease. Therefore, it has been classified as a Variant of Uncertain Significance.